The following is an entry in ClinVar:

ClinVar aggregate classification (germline): Conflicting classifications of pathogenicity. Review status: criteria provided, conflicting classifications (1 of 4 stars). 2 submissions from 2 submitters: Uncertain significance (1); Likely benign (1). Last evaluated 2025-08-27.

Conditions:
Familial adenomatous polyposis 2. Also called: COLORECTAL ADENOMATOUS POLYPOSIS, AUTOSOMAL RECESSIVE; ADENOMAS, MULTIPLE COLORECTAL, AUTOSOMAL RECESSIVE; MUTYH-related attenuated familial adenomatous polyposis; MUTYH-associated polyposis; MYH-associated polyposis; MUTYH Polyposis. Identifiers: Orphanet 220460, Orphanet 247798, MedGen C3272841, MONDO:0012041, OMIM 608456.
Hereditary cancer-predisposing syndrome. Also called: Tumor predisposition; Hereditary neoplastic syndrome; Hereditary Cancer Syndrome; Neoplastic Syndromes, Hereditary. Identifiers: Orphanet 140162, MedGen C0027672, MeSH D009386, MONDO:0015356.

Submissions (2):

Ambry Genetics
Classification: Likely benign for Hereditary cancer-predisposing syndrome. Last evaluated: 2025-08-27. Review status: criteria provided, single submitter. Criteria: Ambry Variant Classification Scheme 2023. Collection method: clinical testing. Allele origin: germline.

Labcorp Genetics (formerly Invitae), Labcorp
Classification: Uncertain significance for Familial adenomatous polyposis 2. Last evaluated: 2023-03-07. Review status: criteria provided, single submitter. Criteria: Invitae Variant Classification Sherloc (09022015). Collection method: clinical testing. Allele origin: germline.
Comment: Algorithms developed to predict the effect of missense changes on protein structure and function output the following: SIFT: "Not Available"; PolyPhen-2: "Benign"; Align-GVGD: "Not Available". The serine amino acid residue is found in multiple mammalian species, which suggests that this missense change does not adversely affect protein function. In summary, the available evidence is currently insufficient to determine the role of this variant in disease. Therefore, it has been classified as a Variant of Uncertain Significance. This variant has not been reported in the literature in individuals affected with MUTYH-related conditions. This variant is not present in population databases (gnomAD no frequency). This sequence change replaces cysteine, which is neutral and slightly polar, with serine, which is neutral and polar, at codon 517 of the MUTYH protein (p.Cys517Ser).

NM_001048174.2(MUTYH):c.1466G>C (p.Cys489Ser)

Gene: MUTYH (mutY DNA glycosylase; minus strand). Cytogenetic location: 1p34.1.
Variant type: single nucleotide variant.
Coding change: c.1466G>C on transcript NM_001048174.2 (MANE Select); coding-DNA position 1466, G replaced by C.
Protein change: p.Cys489Ser; replaces cysteine 489 with serine.
Molecular consequence: missense variant. On other transcripts: non-coding transcript variant (7).
Genome position (GRCh38, 1-based): chr1:45,329,406, C>G on the plus strand (G>C on the coding strand, the complement: MUTYH is on the minus strand). VCF-style: chr1-45329406-C-G. GRCh37 (hg19) VCF-style: chr1-45795078-C-G.
Other names: c.1121G>C, p.Cys374Ser (NM_001350650.2, NM_001350651.2, NM_001407082.1); c.1499G>C, p.Cys500Ser (NM_001407069.1, NM_001407077.1, NM_001293191.2); c.1466G>C, p.Cys489Ser (NM_001407070.1, NM_001407072.1, NM_001407073.1 and 6 more transcripts); c.1469G>C, p.Cys490Ser (NM_001407071.1, NM_001407078.1, NM_001407086.1 and 1 more transcripts); c.1382G>C, p.Cys461Ser (NM_001407075.1); c.1427G>C, p.Cys476Ser (NM_001407079.1); c.1424G>C, p.Cys475Ser (NM_001407080.1); c.1508G>C, p.Cys503Ser (NM_001407083.1, NM_001407085.1); and 5 more; short protein forms C374S, C461S, C517S, C490S, C496S, C500S, C475S, C503S.
Identifiers: ClinVar variation 2843296 (VCV002843296.4), dbSNP rs779256175, ClinGen allele CA340131846.